The following is an entry in ClinVar:

NM_000264.5(PTCH1):c.1592T>C (p.Ile531Thr)

Gene: PTCH1 (patched 1; minus strand). Cytogenetic location: 9q22.32.
Variant type: single nucleotide variant.
Coding change: c.1592T>C on transcript NM_000264.5 (MANE Select); coding-DNA position 1592, T replaced by C.
Protein change: p.Ile531Thr; replaces isoleucine 531 with threonine.
Molecular consequence: missense variant. On other transcripts: non-coding transcript variant (1).
Genome position (GRCh38, 1-based): chr9:95,476,769, A>G on the plus strand (T>C on the coding strand, the complement: PTCH1 is on the minus strand). VCF-style: chr9-95476769-A-G. GRCh37 (hg19) VCF-style: chr9-98239051-A-G.
Other names: c.1394T>C, p.Ile465Thr (NM_001083602.3); c.1589T>C, p.Ile530Thr (NM_001083603.3); c.1139T>C, p.Ile380Thr (NM_001083604.3, NM_001083605.3, NM_001083606.3 and 1 more transcripts); c.1436T>C, p.Ile479Thr (NM_001354918.2); short protein forms I465T, I531T, I380T, I479T, I530T.
Identifiers: ClinVar variation 578950 (VCV000578950.12), dbSNP rs1227526379, ClinGen allele CA374118165.

ClinVar aggregate classification (germline): Conflicting classifications of pathogenicity. Review status: criteria provided, conflicting classifications (1 of 4 stars). 2 submissions from 2 submitters: Uncertain significance (1); Benign (1). Last evaluated 2023-08-04.

Conditions:
Hereditary cancer-predisposing syndrome. Also called: Hereditary neoplastic syndrome; Tumor predisposition; Hereditary Cancer Syndrome; Neoplastic Syndromes, Hereditary. Identifiers: Orphanet 140162, MedGen C0027672, MeSH D009386, MONDO:0015356.
Gorlin syndrome. Also called: Basal cell nevus syndrome; Nevoid Basal Cell Carcinoma Syndrome. Identifiers: Orphanet 377, MedGen C0004779, MONDO:0007187.

Allele frequency attached by ClinVar (database versions not stated): gnomAD exomes below 0.00001.
gnomAD v4.1: 4 of 1,613,724 alleles (0.00025%); no homozygotes.

Submissions (2):

Ambry Genetics
Classification: Uncertain significance for Hereditary cancer-predisposing syndrome. Last evaluated: 2023-08-04. Review status: criteria provided, single submitter. Criteria: Ambry Variant Classification Scheme 2023. Collection method: clinical testing. Allele origin: germline.
Comment: The p.I531T variant (also known as c.1592T>C), located in coding exon 11 of the PTCH1 gene, results from a T to C substitution at nucleotide position 1592. The isoleucine at codon 531 is replaced by threonine, an amino acid with similar properties. This amino acid position is highly conserved in available vertebrate species. In addition, this alteration is predicted to be deleterious by in silico analysis. Since supporting evidence is limited at this time, the clinical significance of this alteration remains unclear.

Labcorp Genetics (formerly Invitae), Labcorp
Classification: Benign for Gorlin syndrome. Last evaluated: 2023-07-07. Review status: criteria provided, single submitter. Criteria: Invitae Variant Classification Sherloc (09022015). Collection method: clinical testing. Allele origin: germline.